The following is an entry in ClinVar:

ClinVar aggregate classification (germline): Uncertain significance (1 of 4 stars; one submission).

gnomAD v4.1: 1 of 1,614,106 alleles (0.000062%); highest among the groups gnomAD compares: Non-Finnish European, 0.000085%; no homozygotes.

Submission:

Labcorp Genetics (formerly Invitae), Labcorp
Classification: Uncertain significance. Last evaluated: 2022-05-16. Review status: criteria provided, single submitter. Criteria: Invitae Variant Classification Sherloc (09022015). Collection method: clinical testing. Allele origin: germline.
Comment: In summary, the available evidence is currently insufficient to determine the role of this variant in disease. Therefore, it has been classified as a Variant of Uncertain Significance. This variant has not been reported in the literature in individuals affected with ANKZF1-related conditions. This variant is not present in population databases (gnomAD no frequency). This sequence change creates a premature translational stop signal (p.Ser128*) in the ANKZF1 gene. It is expected to result in an absent or disrupted protein product. However, the current clinical and genetic evidence is not sufficient to establish whether loss-of-function variants in ANKZF1 cause disease.

NM_018089.3(ANKZF1):c.383C>A (p.Ser128Ter)

Gene: ANKZF1 (ankyrin repeat and zinc finger peptidyl tRNA hydrolase 1; plus strand). Cytogenetic location: 2q35.
Variant type: single nucleotide variant.
Coding change: c.383C>A on transcript NM_018089.3 (MANE Select); coding-DNA position 383, C replaced by A.
Protein change: p.Ser128Ter; replaces serine 128 with a stop codon.
Molecular consequence: nonsense. On other transcripts: 5 prime UTR variant (1).
Genome position (GRCh38, 1-based): chr2:219,232,508, C>A. VCF-style: chr2-219232508-C-A. GRCh37 (hg19) VCF-style: chr2-220097230-C-A.
Other names: c.383C>A, p.Ser128Ter (NM_001042410.2); c.-248C>A (NM_001282792.2); short protein forms S128*.
Identifiers: ClinVar variation 1995355 (VCV001995355.4), dbSNP rs768829938, ClinGen allele CA350673400.